The following is an entry in ClinVar:

NM_001130438.3(SPTAN1):c.472T>C (p.Cys158Arg)

Gene: SPTAN1 (spectrin alpha, non-erythrocytic 1; plus strand). Cytogenetic location: 9q34.11.
Variant type: single nucleotide variant.
Coding change: c.472T>C on transcript NM_001130438.3 (MANE Select); coding-DNA position 472, T replaced by C.
Protein change: p.Cys158Arg; replaces cysteine 158 with arginine.
Molecular consequence: missense variant.
Genome position (GRCh38, 1-based): chr9:128,574,783, T>C. VCF-style: chr9-128574783-T-C. GRCh37 (hg19) VCF-style: chr9-131337062-T-C.
Other names: c.472T>C, p.Cys158Arg (NM_001195532.2, NM_001363759.2, NM_001363765.2 and 5 more transcripts); c.508T>C, p.Cys170Arg (NM_001375312.2, NM_001375318.1); short protein forms C170R, C158R.
Identifiers: ClinVar variation 2021018 (VCV002021018.4), dbSNP rs1449834811, ClinGen allele CA375052637.
Genomic context (GRCh38, chr9:128,574,783, plus strand): 5'-ATGCGAGAAAAAGGAATCAAACTGCTGCAGGCCCAGAAGTTGGTGCAGTACTTACGAGAA[T>C]GTGAGGACGTGATGGACTGGATCAATGACAAGGCACGTTTTGGGAAGAAGGGTTTGCTAA-3'
Protein context (NP_001123910.1, residues 148-168): AQKLVQYLRE[Cys158Arg]EDVMDWINDK

ClinVar aggregate classification (germline): Uncertain significance (1 of 4 stars; one submission).

Conditions:
Early-infantile DEE. Also called: Ohtahara syndrome; Early infantile epileptic encephalopathy with suppression bursts; Early infantile epileptic encephalopathy. Identifiers: Orphanet 1934, MedGen C0393706, MONDO:0800491.

Allele frequency attached by ClinVar (database versions not stated): TOPMed below 0.00001.

Submission:

Labcorp Genetics (formerly Invitae), Labcorp
Classification: Uncertain significance for Early-infantile DEE. Last evaluated: 2022-07-30. Review status: criteria provided, single submitter. Criteria: Invitae Variant Classification Sherloc (09022015). Collection method: clinical testing. Allele origin: germline.
Comment: In summary, the available evidence is currently insufficient to determine the role of this variant in disease. Therefore, it has been classified as a Variant of Uncertain Significance. Algorithms developed to predict the effect of missense changes on protein structure and function (SIFT, PolyPhen-2, Align-GVGD) all suggest that this variant is likely to be disruptive. This sequence change replaces cysteine, which is neutral and slightly polar, with arginine, which is basic and polar, at codon 158 of the SPTAN1 protein (p.Cys158Arg). This variant is not present in population databases (gnomAD no frequency). This variant has not been reported in the literature in individuals affected with SPTAN1-related conditions.